The following is an entry in ClinVar:

NM_000465.4(BARD1):c.426A>G (p.Ser142=)

Gene: BARD1 (BRCA1 associated RING domain 1; minus strand). Cytogenetic location: 2q35.
Variant type: single nucleotide variant.
Coding change: c.426A>G on transcript NM_000465.4 (MANE Select); coding-DNA position 426, A replaced by G.
Protein change: p.Ser142=; no amino-acid change (serine 142 retained).
Molecular consequence: synonymous variant. On other transcripts: non-coding transcript variant (2), intron variant (3).
Genome position (GRCh38, 1-based): chr2:214,781,448, T>C on the plus strand (A>G on the coding strand, the complement: BARD1 is on the minus strand). VCF-style: chr2-214781448-T-C. GRCh37 (hg19) VCF-style: chr2-215646172-T-C.
Other names: c.369A>G, p.Ser123= (NM_001282543.2); c.158+27964A>G (NM_001282548.2); c.215+15613A>G (NM_001282545.2); c.364+10849A>G (NM_001282549.2).
Identifiers: ClinVar variation 3378423 (VCV003378423.1).

ClinVar aggregate classification (germline): Benign (1 of 4 stars; one submission).

Conditions:
Familial cancer of breast. Also called: hereditary breast carcinoma; Hereditary breast cancer; BREAST CANCER, FAMILIAL. Identifiers: Orphanet 227535, MedGen C0346153, MONDO:0016419, OMIM 114480. Disease mechanism: loss of function.

Submission:

Myriad Genetics, Inc.
Classification: Benign for Familial cancer of breast. Last evaluated: 2024-07-22. Review status: criteria provided, single submitter. Criteria: Myriad Autosomal Dominant, Autosomal Recessive and X-Linked Classification Criteria (2023). Collection method: clinical testing. Allele origin: unknown.
Comment: This variant is considered benign. This variant is a silent/synonymous amino acid change and it is not expected to impact splicing.